The following is an entry in ClinVar:

NM_004606.5(TAF1):c.3247G>T (p.Val1083Phe)

Gene: TAF1 (TATA-box binding protein associated factor 1; plus strand). Cytogenetic location: Xq13.1.
Variant type: single nucleotide variant.
Coding change: c.3247G>T on transcript NM_004606.5 (MANE Select); coding-DNA position 3247, G replaced by T.
Protein change: p.Val1083Phe; replaces valine 1083 with phenylalanine.
Molecular consequence: missense variant. On other transcripts: non-coding transcript variant (9).
Genome position (GRCh38, 1-based): chrX:71,394,086, G>T. VCF-style: chrX-71394086-G-T. GRCh37 (hg19) VCF-style: chrX-70613936-G-T.
Other names: c.3247G>T, p.Val1083Phe (NM_001286074.2); c.3184G>T, p.Val1062Phe (NM_138923.4); short protein forms V1062F, V1083F.
Identifiers: ClinVar variation 1703338 (VCV001703338.2), dbSNP rs2034716597, ClinGen allele CA413527372.

ClinVar aggregate classification (germline): Uncertain significance (1 of 4 stars; one submission).

Submission:

GeneDx
Classification: Uncertain significance. Last evaluated: 2022-02-24. Review status: criteria provided, single submitter. Criteria: GeneDx Variant Classification Process June 2021. Collection method: clinical testing. Allele origin: germline. Affected: yes.
Comment: Not observed at significant frequency in large population cohorts (gnomAD); In silico analysis supports that this missense variant has a deleterious effect on protein structure/function; Has not been previously published as pathogenic or benign to our knowledge